The following is an entry in ClinVar:

NM_020894.4(UVSSA):c.1149C>T (p.Ile383=)

Gene: UVSSA (UV stimulated scaffold protein A; plus strand). Cytogenetic location: 4p16.3.
Variant type: single nucleotide variant.
Coding change: c.1149C>T on transcript NM_020894.4 (MANE Select); coding-DNA position 1149, C replaced by T.
Protein change: p.Ile383=; no amino-acid change (isoleucine 383 retained).
Molecular consequence: synonymous variant.
Genome position (GRCh38, 1-based): chr4:1,355,218, C>T. VCF-style: chr4-1355218-C-T. GRCh37 (hg19) VCF-style: chr4-1349006-C-T.
Other names: c.1149C>T, p.Ile383= (NM_001317934.2, NM_001317935.2); c.1149C>T (NM_020894.3).
Identifiers: ClinVar variation 1879600 (VCV001879600.30), dbSNP rs146589878, ClinGen allele CA2805967.

ClinVar aggregate classification (germline): Likely benign. Review status: criteria provided, single submitter (1 of 4 stars). 2 submissions from 2 submitters: Likely benign (1). 1 of the submissions does not count toward it. Last evaluated 2022-12-01.

Conditions:
UVSSA-related disorder. Also called: UVSSA-related condition.

Allele frequency attached by ClinVar (database versions not stated): TOPMed 0.00011; ESP Exome Variant Server 0.00015; gnomAD 0.00027; 1000 Genomes Project 0.00120; 1000 Genomes Project 30x 0.00172.
gnomAD v4.1: 634 of 1,612,678 alleles (0.039%); highest among the groups gnomAD compares: South Asian, 0.52%; 1 homozygote.

Submissions (2):

CeGaT Center for Human Genetics Tuebingen
Classification: Likely benign. Last evaluated: 2022-12-01. Review status: criteria provided, single submitter. Criteria: CeGaT Center For Human Genetics Tuebingen Variant Classification Criteria Version 2. Collection method: clinical testing. Allele origin: germline. Affected: yes. Observed: 1 variant allele.
Comment: UVSSA: BP4, BP7

PreventionGenetics, part of Exact Sciences
Classification: Likely benign for UVSSA-related condition. Last evaluated: 2019-11-27. Review status: no assertion criteria provided. Collection method: clinical testing. Allele origin: germline. Not counted in ClinVar's aggregate classification.
Comment: This variant is classified as likely benign based on ACMG/AMP sequence variant interpretation guidelines (Richards et al. 2015 PMID: 25741868, with internal and published modifications).